The following is an entry in ClinVar:

NM_024598.4(USB1):c.366C>G (p.Ser122Arg)

Gene: USB1 (U6 snRNA biogenesis phosphodiesterase 1; plus strand). Cytogenetic location: 16q21.
Variant type: single nucleotide variant.
Coding change: c.366C>G on transcript NM_024598.4 (MANE Select); coding-DNA position 366, C replaced by G.
Protein change: p.Ser122Arg; replaces serine 122 with arginine.
Molecular consequence: missense variant.
Genome position (GRCh38, 1-based): chr16:58,010,029, C>G. VCF-style: chr16-58010029-C-G. GRCh37 (hg19) VCF-style: chr16-58043933-C-G.
Other names: c.366C>G, p.Ser122Arg (NM_001195302.2, NM_001204911.2, NM_001330569.2); c.213C>G, p.Ser71Arg (NM_001330568.2); short protein forms S71R, S122R.
Identifiers: ClinVar variation 4196817 (VCV004196817.1).

ClinVar aggregate classification (germline): Uncertain significance (1 of 4 stars; one submission).

Conditions:
Inborn genetic diseases. Identifiers: MedGen C0950123, MeSH D030342.

Submission:

Ambry Genetics
Classification: Uncertain significance for Inborn genetic diseases. Last evaluated: 2025-08-23. Review status: criteria provided, single submitter. Criteria: Ambry Variant Classification Scheme 2023. Collection method: clinical testing. Allele origin: germline.
Comment: The p.S122R variant (also known as c.366C>G), located in coding exon 3 of the USB1 gene, results from a C to G substitution at nucleotide position 366. The serine at codon 122 is replaced by arginine, an amino acid with dissimilar properties. This amino acid position is conserved. In addition, this alteration is predicted to be deleterious by in silico analysis. Based on the available evidence, the clinical significance of this variant remains unclear.